The following is an entry in ClinVar:

ClinVar aggregate classification (germline): Likely benign. Review status: criteria provided, single submitter (1 of 4 stars). 2 submissions from 2 submitters: Likely benign (1). 1 of the submissions does not count toward it. Last evaluated 2018-03-29.

Conditions:
CABIN1-related disorder. Also called: CABIN1-related condition.

Allele frequency attached by ClinVar (database versions not stated): gnomAD exomes 0.00018 and 0.00050; ExAC 0.00040; gnomAD 0.00176 and 0.00190; 1000 Genomes Project 0.00180; 1000 Genomes Project 30x 0.00187; TOPMed 0.00201.
gnomAD v4.1: 522 of 1,549,514 alleles (0.034%); highest among the groups gnomAD compares: African/African-American, 0.62%; 1 homozygote.

Submissions (2):

Labcorp Genetics (formerly Invitae), Labcorp
Classification: Likely benign. Last evaluated: 2018-03-29. Review status: criteria provided, single submitter. Criteria: Invitae Variant Classification Sherloc (09022015). Collection method: clinical testing. Allele origin: germline.

PreventionGenetics, part of Exact Sciences
Classification: Likely benign for CABIN1-related condition. Last evaluated: 2019-02-18. Review status: no assertion criteria provided. Collection method: clinical testing. Allele origin: germline. Not counted in ClinVar's aggregate classification.
Comment: This variant is classified as likely benign based on ACMG/AMP sequence variant interpretation guidelines (Richards et al. 2015 PMID: 25741868, with internal and published modifications).

NM_012295.4(CABIN1):c.5472C>T (p.Pro1824=)

Gene: CABIN1 (calcineurin binding protein 1; plus strand). Cytogenetic location: 22q11.23.
Variant type: single nucleotide variant.
Coding change: c.5472C>T on transcript NM_012295.4 (MANE Select); coding-DNA position 5472, C replaced by T.
Protein change: p.Pro1824=; no amino-acid change (proline 1824 retained).
Molecular consequence: synonymous variant.
Genome position (GRCh38, 1-based): chr22:24,167,103, C>T. VCF-style: chr22-24167103-C-T. GRCh37 (hg19) VCF-style: chr22-24563071-C-T.
Other names: c.5472C>T, p.Pro1824= (NM_001199281.1); c.5322C>T, p.Pro1774= (NM_001201429.2).
Identifiers: ClinVar variation 770472 (VCV000770472.5), dbSNP rs552250812, ClinGen allele CA10149762.
Genomic context (GRCh38, chr22:24,167,103, plus strand): 5'-CAGTGCCCGGCAGCAGCCCACCCCGCTCACCCCAGCCCAGCCAGCCCCCGCCCCCGCCCC[C>T]GCCACCACCACAGGGACCAGGGCAGGGGGCCACCCGGAGGAGCCGCTCTCCCGGCTCAGC-3'
Protein context (NP_036427.1, residues 1814-1834): TPAQPAPAPA[Pro1824=]ATTTGTRAGG